The following is an entry in ClinVar:

NM_007055.4(POLR3A):c.3971C>T (p.Thr1324Met)

Gene: POLR3A (RNA polymerase III subunit A; minus strand). Cytogenetic location: 10q22.3.
Variant type: single nucleotide variant.
Coding change: c.3971C>T on transcript NM_007055.4 (MANE Select); coding-DNA position 3971, C replaced by T.
Protein change: p.Thr1324Met; replaces threonine 1324 with methionine.
Molecular consequence: missense variant.
Genome position (GRCh38, 1-based): chr10:77,980,194, G>A on the plus strand (C>T on the coding strand, the complement: POLR3A is on the minus strand). VCF-style: chr10-77980194-G-A. GRCh37 (hg19) VCF-style: chr10-79739952-G-A.
Other names: short protein forms T1324M.
Identifiers: ClinVar variation 1353847 (VCV001353847.6), dbSNP rs1041659469, ClinGen allele CA210186560.

ClinVar aggregate classification (germline): Uncertain significance (1 of 4 stars; one submission).

Allele frequency attached by ClinVar (database versions not stated): gnomAD exomes 0.00001; TOPMed 0.00001.
gnomAD v4.1: 9 of 1,613,650 alleles (0.00056%); highest among the groups gnomAD compares: South Asian, 0.0011%; no homozygotes.

Submission:

Labcorp Genetics (formerly Invitae), Labcorp
Classification: Uncertain significance. Last evaluated: 2021-06-07. Review status: criteria provided, single submitter. Criteria: Invitae Variant Classification Sherloc (09022015). Collection method: clinical testing. Allele origin: germline.
Comment: Algorithms developed to predict the effect of missense changes on protein structure and function are either unavailable or do not agree on the potential impact of this missense change (SIFT: "Deleterious"; PolyPhen-2: "Probably Damaging"; Align-GVGD: "Class C0"). In summary, the available evidence is currently insufficient to determine the role of this variant in disease. Therefore, it has been classified as a Variant of Uncertain Significance. This variant has not been reported in the literature in individuals with POLR3A-related conditions. This variant is not present in population databases (ExAC no frequency). This sequence change replaces threonine with methionine at codon 1324 of the POLR3A protein (p.Thr1324Met). The threonine residue is highly conserved and there is a moderate physicochemical difference between threonine and methionine.